The following is an entry in ClinVar:

ClinVar aggregate classification (germline): Uncertain significance (1 of 4 stars; one submission).

Submission:

GeneDx
Classification: Uncertain significance. Last evaluated: 2024-11-05. Review status: criteria provided, single submitter. Criteria: GeneDx Variant Classification Process June 2021. Collection method: clinical testing. Allele origin: germline. Affected: yes.
Comment: Not observed at significant frequency in large population cohorts (gnomAD); In silico analysis supports that this missense variant has a deleterious effect on protein structure/function; Has not been previously published as pathogenic or benign to our knowledge

NM_016148.5(SHANK1):c.3143G>C (p.Arg1048Pro)

Gene: SHANK1 (SH3 and multiple ankyrin repeat domains 1; minus strand). Cytogenetic location: 19q13.33.
Variant type: single nucleotide variant.
Coding change: c.3143G>C on transcript NM_016148.5 (MANE Select); coding-DNA position 3143, G replaced by C.
Protein change: p.Arg1048Pro; replaces arginine 1048 with proline.
Molecular consequence: missense variant.
Genome position (GRCh38, 1-based): chr19:50,668,817, C>G on the plus strand (G>C on the coding strand, the complement: SHANK1 is on the minus strand). VCF-style: chr19-50668817-C-G. GRCh37 (hg19) VCF-style: chr19-51172074-C-G.
Other names: short protein forms R1048P.
Identifiers: ClinVar variation 3897151 (VCV003897151.1).